The following continues an entry in ClinVar:

NM_016038.4(SBDS):c.258+2T>C

Gene: SBDS. ClinVar aggregate classification (germline): Pathogenic/Likely pathogenic. Pathogenic (60); Likely pathogenic (3).

Submissions 40 to 55 of 95:

Illumina Laboratory Services, Illumina
Classification: Pathogenic for Shwachman-Diamond syndrome 1. Last evaluated: 2021-05-12. Review status: criteria provided, single submitter. Criteria: ICSLVariantClassificationCriteria RUGD 01 April 2020. Collection method: clinical testing. Allele origin: unknown.
Comment: The SBDS c.258+2T>C variant, also described as p.Cys84fsTer3, impacts the canonical splice donor site and results in an 8-bp deletion consistent with the use of a cryptic splice site and causing a frameshift and premature termination of the protein (Boocock et al. 2003). This variant, which occurs as a result of a gene conversion event with the nearby and highly homologous pseudogene SBDSP, is one of the most common disease-associated alleles in the SBDS gene (Nelson and Myers 2018). Across a small selection of the available literature, the c.258+2T>C variant was identified in 195 individuals with a confirmed or probable diagnosis of Shwachman-Diamond syndrome, including in a homozygous state in 13 individuals and in a compound heterozygous state in 182 individuals, 119 of whom carried the c.183_184delTAinsCT (p.Lys62Ter) variant, another common gene conversion variant, as the second variant (Boocock et al. 2003; Woloszynek et al. 2004; Myers et al. 2014; Cho et al. 2015; Ipatova et al. 2019). The c.258+2T>C variant was absent from 148 control individuals (Boocock et al. 2003; Woloszynek et al. 2004) but is reported at a frequency of 0.009412 in the European (Finnish) population of the Genome Aggregation Database (version 2.1.1). This population also includes two individuals who appear to be homozygous for this variant, though there are no homozygous individuals reported in a more recent version of the database (version 3.1.1). The presence of the SBDSP pseudogene may complicate the accurate reporting of the variant frequency in the population (Nelson and Myers 2018). In a functional study, Orelio et al. (2011) transiently transfected HeLa cells with GFP constructs containing full length or truncated protein due to the c.258+2T>C variant. The authors observed that the full-length protein was localized in both the nucleus and cytoplasm, while the truncated protein was mainly detected in the nucleus. The presence of the variant also affected nuclear import of SBDS proteins. Based on the available evidence, the c.258+2T>C variant is classified as pathogenic for Shwachman-Diamond syndrome.

Baylor Genetics
Classification: Pathogenic for Shwachman-Diamond syndrome 1. Last evaluated: 2021-02-09. Review status: criteria provided, single submitter. Criteria: ACMG Guidelines, 2015. Collection method: clinical testing. Allele origin: maternal. Affected: yes. Study: CSER-TexasKidsCanSeq.
Comment: This variant was determined to be pathogenic according to ACMG Guidelines, 2015 [PMID:25741868].

Genetics and Molecular Pathology, SA Pathology
Classification: Pathogenic for Aplastic anemia. Last evaluated: 2021-02-04. Review status: criteria provided, single submitter. Criteria: ACMG Guidelines, 2015. Collection method: clinical testing. Allele origin: germline. Inheritance: Autosomal recessive inheritance. Affected: yes.

Genetics Laboratory, Department of Biology, Semnan University
Classification: Pathogenic for Shwachman-Diamond syndrome 1. Last evaluated: 2020-12-30. Review status: criteria provided, single submitter. Criteria: ACMG Guidelines, 2015. Collection method: case-control. Allele origin: inherited. Inheritance: Autosomal recessive inheritance. Affected: yes. Observed: 1 compound heterozygote.
Comment: The identified mutation changes the splicing process of SBDS gene.

Institute of Medical Genetics and Applied Genomics, University Hospital Tübingen
Classification: Pathogenic. Last evaluated: 2020-10-23. Review status: criteria provided, single submitter. Criteria: ACMG Guidelines, 2015. Collection method: clinical testing. Allele origin: germline. Inheritance: Autosomal recessive inheritance. Affected: yes.

New York Genome Center
Classification: Pathogenic for Shwachman-Diamond syndrome 1. Last evaluated: 2020-07-09. Review status: criteria provided, single submitter. Criteria: NYGC Assertion Criteria 2020. Collection method: clinical testing. Allele origin: germline. Observed: 1 heterozygote. Study: CSER-NYCKidSeq.

Baylor Genetics
Classification: Pathogenic for Shwachman-Diamond syndrome 1. Last evaluated: 2020-05-27. Review status: criteria provided, single submitter. Criteria: ACMG Guidelines, 2015. Collection method: clinical testing. Allele origin: unknown. Affected: yes.
Comment: the same text as in the submission from Baylor Genetics above.

GeneDx
Classification: Pathogenic. Last evaluated: 2020-01-02. Review status: criteria provided, single submitter. Criteria: GeneDx Variant Classification Process June 2021. Collection method: clinical testing. Allele origin: germline. Affected: yes.
Comment: Canonical splice site variant in a gene for which loss-of-function is a known mechanism of disease; Results from a conversion event with a nearby SBDS pseudogene, an inactive gene with numerous pathogenic variants (Boocock et al., 2003); Published functional studies demonstrate that truncating variants, including c.258+2 T>C, may affect the protein's cellular localization and motility (Austin et al., 2005; Orelio et al., 2011); This variant is associated with the following publications: (PMID: 27127007, 15942154, 29620724, 16007594, 30109123, 12496757, 15860664, 21695142, 22934832, 14749921, 19148133, 22935661, 24629175, 25525159, 24426364, 26762974, 26866830, 17376717, 27153395, 26822237, 27431290, 17478638, 26492932, 15342903, 27519942, 25844324, 27290639, 15701631, 29716638, 25729736, 29146883, 23125299, 28102861, 28485484, 29375851, 30664904, 15474150, 30198570, 17920346, 30308536, 30105119, 27617157, 31321910, 31732620, 30894704, 32098966, 31965297, 32434641, 31019026, 32293785, 31980526, 32552793, 32581362, 32412173, 31589614, 32868804, 32888943)

Cambridge Genomics Laboratory, East Genomic Laboratory Hub, NHS Genomic Medicine Service
Classification: Pathogenic for Intellectual disability. Last evaluated: 2019-11-08. Review status: criteria provided, single submitter. Criteria: ACGS Best Practice Guidelines for Variant Classification in Rare Disease 2020. Collection method: clinical testing. Allele origin: germline. Affected: yes. Observed: 1 variant allele.

Laboratory for Molecular Medicine, Mass General Brigham Personalized Medicine
Classification: Pathogenic for Shwachman syndrome. Last evaluated: 2018-12-03. Review status: criteria provided, single submitter. Criteria: LMM Criteria. Collection method: clinical testing. Allele origin: germline. Observed: 1 variant allele.
Comment: The c.258+2T>C variant in SBDS is one of the most common pathogenic variants ide ntified in individuals with Shwachman-Diamond syndrome (Boocock 2003, w.). It has also been identified in 0.9% (236/250 74) of Finnish chromosomes and 2 homozygotes by gnomAD; however, this allele frequency may not be accurate due to the presenc e of a pseudogene (SBDSP). This variant usually occurs as the result of a gene c onversion event as the c.258+2C>T variant is present in the inactive pseudogene. It is predicted to result in a frameshift described as p.Cys84TyrfsX4 (Boocock 2003, Orelio 2011). This alteration is then predicted to lead to a truncated or absent protein. Loss of function of the SBDS gene is an established disease mech anism in autosomal recessive Shwachman-Diamond syndrome. In summary, this varian t meets criteria to be classified as pathogenic. ACMG/AMP Criteria applied: PVS1 , PM3_Very Strong, PS3.

Blueprint Genetics
Classification: Pathogenic. Last evaluated: 2018-11-30. Review status: criteria provided, single submitter. Criteria: Blueprint Genetics Variant Classification Scheme. Collection method: clinical testing. Allele origin: germline. Affected: yes.

Rady Children's Institute for Genomic Medicine, Rady Children's Hospital San Diego
Classification: Pathogenic for SHWACHMAN-DIAMOND SYNDROME. Last evaluated: 2018-07-10. Review status: criteria provided, single submitter. Criteria: ACMG Guidelines, 2015. Collection method: clinical testing. Allele origin: germline. Affected: yes. Observed: 1 variant allele.
Comment: The c.258+2T>C variant is a canonical splice donor variant in the SBDS gene. The variant is one of the most common pathogenic variants in SBDS (PMID: 20301722), and has been reported by multiple laboratories in the ClinVar as pathogenic (variant ID: 3196). Functional studies suggest that the c.258+2 T>C variant affects the protein's cellular localization and motility (PMID: 21695142). The c.258+2T>C variant is present in ExAC at 0.39% (474/120486), but it is not present in the homozygous state. Based on the combined evidence, the variant is classified as pathogenic.

Eurofins Ntd Llc (ga)
Classification: Pathogenic. Last evaluated: 2018-02-26. Review status: criteria provided, single submitter. Criteria: EGL ClinVar v180209 classification definitions. Collection method: clinical testing. Allele origin: germline. Observed: 3 variant alleles, 3 heterozygotes.

Knight Diagnostic Laboratories, Oregon Health and Sciences University
Classification: Pathogenic for Shwachman-diamond syndrome. Last evaluated: 2017-09-18. Review status: criteria provided, single submitter. Criteria: ACMG Guidelines, 2015. Collection method: clinical testing. Allele origin: germline. Observed: 1 variant allele.

Genome Diagnostics Laboratory, University Medical Center Utrecht
Classification: Pathogenic for Shwachman-Diamond syndrome 1. Last evaluated: 2017-07-28. Review status: criteria provided, single submitter. Criteria: ACGS Guidelines, 2013. Collection method: clinical testing. Allele origin: germline. Affected: yes. Study: VKGL Data-share Consensus.

ARUP Laboratories, Molecular Genetics and Genomics, ARUP Laboratories
Classification: Pathogenic. Last evaluated: 2017-01-26. Review status: criteria provided, single submitter. Criteria: ARUP Molecular Germline Variant Investigation Process. Collection method: clinical testing. Allele origin: germline.